The following is an entry in ClinVar:

ClinVar aggregate classification (germline): Uncertain significance. Review status: criteria provided, multiple submitters, no conflicts (2 of 4 stars). 2 submissions from 2 submitters: Uncertain significance (2). Last evaluated 2025-03-23.

Conditions:
Emery-Dreifuss muscular dystrophy 5, autosomal dominant (EDMD5). Also called: EMERY-DREIFUSS MUSCULAR DYSTROPHY 5. Identifiers: Orphanet 261, MedGen C2751805, MONDO:0013072, OMIM 612999.

Allele frequency attached by ClinVar (database versions not stated): gnomAD 0.00001; gnomAD exomes 0.00003; TOPMed 0.00003; ExAC 0.00005.
gnomAD v4.1: 46 of 1,613,666 alleles (0.0029%); highest among the groups gnomAD compares: Non-Finnish European, 0.0032%; no homozygotes.

Submissions (2):

Labcorp Genetics (formerly Invitae), Labcorp
Classification: Uncertain significance for Emery-Dreifuss muscular dystrophy 5, autosomal dominant. Last evaluated: 2025-03-23. Review status: criteria provided, single submitter. Criteria: Invitae Variant Classification Sherloc (09022015). Collection method: clinical testing. Allele origin: germline.
Comment: This sequence change replaces glutamine, which is neutral and polar, with histidine, which is basic and polar, at codon 6551 of the SYNE2 protein (p.Gln6551His). This variant is present in population databases (rs762848054, gnomAD 0.006%). This variant has not been reported in the literature in individuals affected with SYNE2-related conditions. ClinVar contains an entry for this variant (Variation ID: 1053833). An algorithm developed to predict the effect of missense changes on protein structure and function outputs the following: PolyPhen-2: "Benign". The histidine amino acid residue is found in multiple mammalian species, which suggests that this missense change does not adversely affect protein function. In summary, the available evidence is currently insufficient to determine the role of this variant in disease. Therefore, it has been classified as a Variant of Uncertain Significance.

Ambry Genetics
Classification: Uncertain significance. Last evaluated: 2022-10-04. Review status: criteria provided, single submitter. Criteria: Ambry Variant Classification Scheme 2023. Collection method: clinical testing. Allele origin: germline.

NM_182914.3(SYNE2):c.19653G>C (p.Gln6551His)

Gene: SYNE2 (spectrin repeat containing nuclear envelope protein 2; plus strand). Cytogenetic location: 14q23.2.
Variant type: single nucleotide variant.
Coding change: c.19653G>C on transcript NM_182914.3 (MANE Select); coding-DNA position 19653, G replaced by C.
Protein change: p.Gln6551His; replaces glutamine 6551 with histidine.
Molecular consequence: missense variant.
Genome position (GRCh38, 1-based): chr14:64,218,508, G>C. VCF-style: chr14-64218508-G-C. GRCh37 (hg19) VCF-style: chr14-64685226-G-C.
Other names: c.19653G>C (NM_182914.2); c.19584G>C, p.Gln6528His (NM_015180.6); c.177G>C, p.Gln59His (NM_182910.2); c.555G>C, p.Gln185His (NM_182913.4); short protein forms Q185H, Q59H, Q6528H, Q6551H.
Identifiers: ClinVar variation 1053833 (VCV001053833.10), dbSNP rs762848054, ClinGen allele CA7224528.
Genomic context (GRCh38, chr14:64,218,508, plus strand): 5'-AGTCCTGAATGGCAACCCACAGCAGGAAGACGGGGGACTGGCCGGTATCACAGAGCAGCA[G>C]TCAGGTACTGCCTGTAACTGGCAGTCGTCCAGAGAGGCAGAGTATGGTATTTAAGTCCTT-3'
Protein context (NP_878918.2, residues 6541-6561): DGGLAGITEQ[Gln6551His]SGAFDRWEMI